The following is an entry in ClinVar:

ClinVar aggregate classification (germline): Uncertain significance. Review status: criteria provided, multiple submitters, no conflicts (2 of 4 stars). 3 submissions from 3 submitters: Uncertain significance (2). 1 of the submissions does not count toward it. Last evaluated 2025-02-28.

Conditions:
ANKRD26-related disorder. Also called: ANKRD26-related condition.
Inborn genetic diseases. Identifiers: MedGen C0950123, MeSH D030342.

Allele frequency attached by ClinVar (database versions not stated): gnomAD exomes 0.00002.
gnomAD v4.1: 31 of 1,614,128 alleles (0.0019%); highest among the groups gnomAD compares: Non-Finnish European, 0.0026%; no homozygotes.

Submissions (3):

Ambry Genetics
Classification: Uncertain significance for Inborn genetic diseases. Last evaluated: 2025-02-28. Review status: criteria provided, single submitter. Criteria: Ambry Variant Classification Scheme 2023. Collection method: clinical testing. Allele origin: germline.
Comment: The p.V154I variant (also known as c.460G>A), located in coding exon 3 of the ANKRD26 gene, results from a G to A substitution at nucleotide position 460. The valine at codon 154 is replaced by isoleucine, an amino acid with highly similar properties. This amino acid position is conserved. In addition, this alteration is predicted to be tolerated by in silico analysis. Based on the available evidence, the clinical significance of this variant remains unclear.

Labcorp Genetics (formerly Invitae), Labcorp
Classification: Uncertain significance. Last evaluated: 2024-04-25. Review status: criteria provided, single submitter. Criteria: Invitae Variant Classification Sherloc (09022015). Collection method: clinical testing. Allele origin: germline.
Comment: This sequence change replaces valine, which is neutral and non-polar, with isoleucine, which is neutral and non-polar, at codon 154 of the ANKRD26 protein (p.Val154Ile). This variant is present in population databases (rs753675632, gnomAD 0.007%). This variant has not been reported in the literature in individuals affected with ANKRD26-related conditions. Algorithms developed to predict the effect of missense changes on protein structure and function output the following: SIFT: "Not Available"; PolyPhen-2: "Benign"; Align-GVGD: "Not Available". The isoleucine amino acid residue is found in multiple mammalian species, which suggests that this missense change does not adversely affect protein function. In summary, the available evidence is currently insufficient to determine the role of this variant in disease. Therefore, it has been classified as a Variant of Uncertain Significance.

PreventionGenetics, part of Exact Sciences
Classification: Uncertain significance for ANKRD26-related condition. Last evaluated: 2024-09-25. Review status: no assertion criteria provided. Collection method: clinical testing. Allele origin: germline. Not counted in ClinVar's aggregate classification.
Comment: The ANKRD26 c.460G>A variant is predicted to result in the amino acid substitution p.Val154Ile. To our knowledge, this variant has not been reported in the literature. This variant is reported in 0.0079% of alleles in individuals of European (Non-Finnish) descent in gnomAD. At this time, the clinical significance of this variant is uncertain due to the absence of conclusive functional and genetic evidence.

NM_014915.3(ANKRD26):c.460G>A (p.Val154Ile)

Gene: ANKRD26 (ankyrin repeat domain 26; minus strand). Cytogenetic location: 10p12.1.
Variant type: single nucleotide variant.
Coding change: c.460G>A on transcript NM_014915.3 (MANE Select); coding-DNA position 460, G replaced by A.
Protein change: p.Val154Ile; replaces valine 154 with isoleucine.
Molecular consequence: missense variant.
Genome position (GRCh38, 1-based): chr10:27,093,420, C>T on the plus strand (G>A on the coding strand, the complement: ANKRD26 is on the minus strand). VCF-style: chr10-27093420-C-T. GRCh37 (hg19) VCF-style: chr10-27382349-C-T.
Other names: c.460G>A, p.Val154Ile (NM_001256053.2); short protein forms V154I.
Identifiers: ClinVar variation 2883943 (VCV002883943.5), dbSNP rs753675632, ClinGen allele CA204450818.
Genomic context (GRCh38, chr10:27,093,420, plus strand): 5'-CTTCAATATTTGCATCATACAAAAGCAGCTTTGTTGCTACTGATATGTCCTCATTATAGA[C>T]AGCATAGTGAAGAGCAGTGTTGCCATGGACATCCGCAAGATTTGGATCAGCACCATGTTC-3'
Protein context (NP_055730.2, residues 144-164): VHGNTALHYA[Val154Ile]YNEDISVATK